The following is an entry in ClinVar:

ClinVar aggregate classification (germline): Uncertain significance (1 of 4 stars; one submission).

gnomAD v4.1: 26 of 1,590,998 alleles (0.0016%); highest among the groups gnomAD compares: East Asian, 0.032%; no homozygotes.

Submissions (2):

Mayo Clinic Laboratories, Mayo Clinic
Classification: Uncertain significance. Last evaluated: 2024-05-06. Review status: criteria provided, single submitter. Criteria: ACMG Guidelines, 2015. Collection method: clinical testing. Allele origin: germline. Observed: 1 variant allele.
Comment: PP3, PM2

Dr. Peter K. Rogan Lab, Western University
No classification provided (evidence only). Condition: Gastric cancer. Review status: no classification provided. Collection method: in vitro. Allele origin: not applicable. Functional consequence: retained intron. Not counted in ClinVar's aggregate classification.

NM_014855.3(AP5Z1):c.1565T>A (p.Leu522Gln)

Gene: AP5Z1 (adaptor related protein complex 5 subunit zeta 1; plus strand). Cytogenetic location: 7p22.1.
Variant type: single nucleotide variant.
Coding change: c.1565T>A on transcript NM_014855.3 (MANE Select); coding-DNA position 1565, T replaced by A.
Protein change: p.Leu522Gln; replaces leucine 522 with glutamine.
Molecular consequence: missense variant. On other transcripts: non-coding transcript variant (1).
Genome position (GRCh38, 1-based): chr7:4,788,264, T>A. VCF-style: chr7-4788264-T-A. GRCh37 (hg19) VCF-style: chr7-4827895-T-A.
Other names: p.Leu522Gln; NC_000007.13:g.4827895T>A; c.1097T>A, p.Leu366Gln (NM_001364858.1); short protein forms L366Q, L522Q.
Identifiers: ClinVar variation 3379737 (VCV003379737.2).
Genomic context (GRCh38, chr7:4,788,264, plus strand): 5'-CCCCCAGCTGCCTGGAGGCCTTCCGGGACCCGCAGTTCCAGGGTCTTTTCCAATACCTGC[T>A]GCGCCCCAAGGCCAGTGGCGCCACTGAGAGGTACGGGGCCCTAGGGCCAGGGGGCCACCA-3'
Protein context (NP_055670.1, residues 512-532): PQFQGLFQYL[Leu522Gln]RPKASGATER